The following is an entry in ClinVar:

NM_005051.3(QARS1):c.399C>T (p.His133=)

Gene: QARS1 (glutaminyl-tRNA synthetase 1; minus strand). Cytogenetic location: 3p21.31.
Variant type: single nucleotide variant.
Coding change: c.399C>T on transcript NM_005051.3 (MANE Select); coding-DNA position 399, C replaced by T.
Protein change: p.His133=; no amino-acid change (histidine 133 retained).
Molecular consequence: synonymous variant. On other transcripts: non-coding transcript variant (1).
Genome position (GRCh38, 1-based): chr3:49,103,683, G>A on the plus strand (C>T on the coding strand, the complement: QARS1 is on the minus strand). VCF-style: chr3-49103683-G-A. GRCh37 (hg19) VCF-style: chr3-49141116-G-A.
Other names: p.His133=; c.366C>T, p.His122= (NM_001272073.2).
Identifiers: ClinVar variation 380043 (VCV000380043.10), dbSNP rs5030795, ClinGen allele CA2392181.

ClinVar aggregate classification (germline): Benign. Review status: criteria provided, multiple submitters, no conflicts (2 of 4 stars). 4 submissions from 4 submitters: Benign (4). Last evaluated 2026-02-03.

Conditions:
Diffuse cerebral and cerebellar atrophy - intractable seizures - progressive microcephaly syndrome. Also called: Microcephaly, progressive, with seizures and cerebral and cerebellar atrophy. Identifiers: Orphanet 404437, MedGen C4014239, MONDO:0014335, OMIM 615760.

Allele frequency attached by ClinVar (database versions not stated): ESP Exome Variant Server 0.07950; gnomAD exomes 0.08304; ExAC 0.08517; 1000 Genomes Project 0.05292; 1000 Genomes Project 30x 0.05387; TOPMed 0.06941; gnomAD 0.07564 and 0.07620.
gnomAD v4.1: 156,551 of 1,613,334 alleles (9.7%); highest among the groups gnomAD compares: Non-Finnish European, 11%; 8,236 homozygotes.

Submissions (4):

Labcorp Genetics (formerly Invitae), Labcorp
Classification: Benign for Diffuse cerebral and cerebellar atrophy - intractable seizures - progressive microcephaly syndrome. Last evaluated: 2026-02-03. Review status: criteria provided, single submitter. Criteria: Invitae Variant Classification Sherloc (09022015). Collection method: clinical testing. Allele origin: germline.

Mayo Clinic Laboratories, Mayo Clinic
Classification: Benign. Last evaluated: 2022-12-20. Review status: criteria provided, single submitter. Criteria: ACMG Guidelines, 2015. Collection method: clinical testing. Allele origin: germline. Observed: 109 variant alleles.

GeneDx
Classification: Benign. Last evaluated: 2015-12-02. Review status: criteria provided, single submitter. Criteria: GeneDx Variant Classification (06012015). Collection method: clinical testing. Allele origin: germline. Affected: yes.
Comment: This variant is considered likely benign or benign based on one or more of the following criteria: it is a conservative change, it occurs at a poorly conserved position in the protein, it is predicted to be benign by multiple in silico algorithms, and/or has population frequency not consistent with disease.

Breakthrough Genomics
Classification: Benign. Review status: criteria provided, single submitter. Criteria: ACMG Guidelines, 2015. Collection method: not provided. Allele origin: germline. Inheritance: Autosomal recessive inheritance. Affected: yes.